The following is an entry in ClinVar:

ClinVar aggregate classification (germline): Uncertain significance (1 of 4 stars; one submission).

Submission:

Women's Health and Genetics/Laboratory Corporation of America, LabCorp
Classification: Uncertain significance. Last evaluated: 2026-01-02. Review status: criteria provided, single submitter. Criteria: LabCorp Variant Classification Summary - May 2015. Collection method: clinical testing. Allele origin: germline.
Comment: Variant summary: F7 c.316G>A (p.Asp106Asn) results in a conservative amino acid change in the encoded protein sequence. Algorithms developed to predict the effect of missense changes on protein structure and function are either unavailable or do not agree on the potential impact of this missense change. Several computational tools predict a significant impact on normal splicing: Three predict the variant weakens a 5' donor site. One predict the variant abolishes a 5' splicing donor site. However, these predictions have yet to be confirmed by functional studies. The variant was absent in 251478 control chromosomes. c.316G>A has been observed in individual(s) affected with Congenital factor VII deficiency (Salum_2023). These data indicate that the variant may be associated with disease. To our knowledge, no experimental evidence demonstrating an impact on protein function has been reported. The following publication have been ascertained in the context of this evaluation (PMID: 37055867). No submitters have cited clinical-significance assessments for this variant to ClinVar. Based on the evidence outlined above, the variant was classified as VUS-possibly pathogenic.

Literature cited by the submitters: PubMed 37055867.

NM_019616.4(F7):c.250G>A (p.Asp84Asn)

Gene: F7 (coagulation factor VII; plus strand). Cytogenetic location: 13q34.
Variant type: single nucleotide variant.
Coding change: c.250G>A on transcript NM_019616.4 (MANE Select); coding-DNA position 250, G replaced by A.
Protein change: p.Asp84Asn; replaces aspartic acid 84 with asparagine.
Molecular consequence: missense variant. On other transcripts: non-coding transcript variant (1), intron variant (1).
Genome position (GRCh38, 1-based): chr13:113,113,776, G>A. VCF-style: chr13-113113776-G-A. GRCh37 (hg19) VCF-style: chr13-113768090-G-A.
Other names: c.316G>A, p.Asp106Asn (NM_000131.5); c.65-71G>A (NM_001267554.2); short protein forms D106N, D84N.
Identifiers: ClinVar variation 4689691 (VCV004689691.1).